The following is an entry in ClinVar:

ClinVar aggregate classification (germline): Uncertain significance (1 of 4 stars; one submission).

Submission:

GeneDx
Classification: Uncertain significance. Last evaluated: 2024-09-05. Review status: criteria provided, single submitter. Criteria: GeneDx Variant Classification Process June 2021. Collection method: clinical testing. Allele origin: germline. Affected: yes.
Comment: Not observed at significant frequency in large population cohorts (gnomAD); In silico analysis indicates that this missense variant does not alter protein structure/function; Has not been previously published as pathogenic or benign to our knowledge

NM_001008537.3(NEXMIF):c.418A>C (p.Met140Leu)

Gene: NEXMIF (neurite extension and migration factor; minus strand). Cytogenetic location: Xq13.3.
Variant type: single nucleotide variant.
Coding change: c.418A>C on transcript NM_001008537.3 (MANE Select); coding-DNA position 418, A replaced by C.
Protein change: p.Met140Leu; replaces methionine 140 with leucine.
Molecular consequence: missense variant.
Genome position (GRCh38, 1-based): chrX:74,744,139, T>G on the plus strand (A>C on the coding strand, the complement: NEXMIF is on the minus strand). VCF-style: chrX-74744139-T-G. GRCh37 (hg19) VCF-style: chrX-73963974-T-G.
Other names: short protein forms M140L.
Identifiers: ClinVar variation 3767579 (VCV003767579.1).